The following is an entry in ClinVar:

NM_006259.3(PRKG2):c.2127-61CCTT[19]

Gene: PRKG2 (protein kinase cGMP-dependent 2; minus strand). Cytogenetic location: 4q21.21.
Variant type: Microsatellite.
Coding change: c.2127-61CCTT[19] on transcript NM_006259.3 (MANE Select); 19 copies in a row of the 4-base unit CCTT starting at c.2127-61; the reference has 12 copies in a row; seven copies, 28 bases duplicated.
Molecular consequence: intron variant.
Genome position (GRCh38, 1-based): chr4:81,092,466-81,092,493, AAGGAAGGAAGGAAGGAAGGAAGGAAGG duplicated on the plus strand (CCTTCCTTCCTTCCTTCCTTCCTTCCTT on the coding strand, the reverse complement: PRKG2 is on the minus strand); duplicating any 28 consecutive bases within chr4:81,092,466-81,092,513 gives the same sequence; the position shown is the placement nearest the transcript's 3' end. VCF-style (leftmost placement, unchanged base first): chr4-81092465-A-AAAGGAAGGAAGGAAGGAAGGAAGGAAGG. GRCh37 (hg19) VCF-style: chr4-82013619-A-AAAGGAAGGAAGGAAGGAAGGAAGGAAGG.
Other names: c.780-61CCTT[19] (NM_001282482.1); c.687-61CCTT[19] (NM_001282483.1); c.867-61CCTT[19] (NM_001282481.1, NM_001282480.1); c.2040-61CCTT[19] (NM_001282485.2); c.2127-61CCTT[19] (NM_001363401.2); c.2127-41_2127-14dup28 (NM_006259.3).
Identifiers: ClinVar variation 4887510 (VCV004887510.2).

ClinVar aggregate classification (germline): Likely benign. Review status: criteria provided, multiple submitters, no conflicts (2 of 4 stars). 2 submissions from 2 submitters: Likely benign (2). Last evaluated 2026-06-04.

Submissions (2):

Women's Health and Genetics/Laboratory Corporation of America, LabCorp
Classification: Likely benign. Last evaluated: 2026-06-04. Review status: criteria provided, single submitter. Criteria: LabCorp Variant Classification Summary - May 2015. Collection method: clinical testing. Allele origin: germline.
Comment: Variant summary: PRKG2 c.2127-41_2127-14dup28 alters a non-conserved nucleotide located at a position not widely known to affect splicing. Consensus agreement among computation tools predict no significant impact on normal splicing. However, these predictions have yet to be confirmed by functional studies. The frequency data for this variant in gnomAD is considered unreliable, as metrics indicate poor data quality at this position. To our knowledge, no occurrence of c.2127-41_2127-14dup28 in individuals affected with PRKG2-related conditions and no experimental evidence demonstrating its impact on protein function have been reported. No submitters have cited clinical-significance assessments for this variant to ClinVar. Based on the evidence outlined above, the variant was classified as likely benign.

Blueprint Genetics
Classification: Likely benign. Last evaluated: 2024-10-07. Review status: criteria provided, single submitter. Criteria: ACMG Guidelines, 2015. Collection method: clinical testing. Allele origin: germline.